The following is an entry in ClinVar:

NM_004415.4(DSP):c.1333A>G (p.Ile445Val)

Gene: DSP (desmoplakin; plus strand). Cytogenetic location: 6p24.3.
Variant type: single nucleotide variant.
Coding change: c.1333A>G on transcript NM_004415.4 (MANE Select); coding-DNA position 1333, A replaced by G.
Protein change: p.Ile445Val; replaces isoleucine 445 with valine.
Molecular consequence: missense variant.
Genome position (GRCh38, 1-based): chr6:7,568,503, A>G. VCF-style: chr6-7568503-A-G. GRCh37 (hg19) VCF-style: chr6-7568736-A-G.
Other names: c.1333A>G, p.Ile445Val (NM_001008844.3, NM_001319034.2, NM_001406591.1); short protein forms I445V.
Identifiers: ClinVar variation 2136363 (VCV002136363.7), dbSNP rs934142779, ClinGen allele CA133956077.

ClinVar aggregate classification (germline): Uncertain significance. Review status: criteria provided, multiple submitters, no conflicts (2 of 4 stars). 4 submissions from 4 submitters: Uncertain significance (4). Last evaluated 2024-12-12.

Conditions:
Cardiomyopathy (CMYO). Also called: Cardiomyopathies. Identifiers: Orphanet 167848, MedGen C0878544, MONDO:0004994, HP:0001638. Inheritance: Various modes of inheritance.
Arrhythmogenic cardiomyopathy with wooly hair and keratoderma. Also called: Dilated cardiomyopathy with woolly hair and keratoderma; PALMOPLANTAR KERATODERMA WITH LEFT VENTRICULAR CARDIOMYOPATHY AND WOOLLY HAIR; Arrhythmogenic cardiomyopathy with woolly hair and keratoderma; Carvajal syndrome. Identifiers: Orphanet 65282, MedGen C1854063, MONDO:0011581, OMIM 605676.
Arrhythmogenic right ventricular dysplasia 8 (ARVD8). Also called: ARRHYTHMOGENIC RIGHT VENTRICULAR DYSPLASIA, FAMILIAL, 8; ARRHYTHMOGENIC RIGHT VENTRICULAR CARDIOMYOPATHY 8; Arrhythmogenic Right Ventricular Dysplasia/Cardiomyopathy 8. Identifiers: MedGen C1843896, MONDO:0011831, OMIM 607450.

Allele frequency attached by ClinVar (database versions not stated): gnomAD exomes below 0.00001; TOPMed below 0.00001; gnomAD 0.00001.
gnomAD v4.1: 2 of 1,614,056 alleles (0.00012%); highest among the groups gnomAD compares: Non-Finnish European, 0.00017%; no homozygotes.

Submissions (4):

Labcorp Genetics (formerly Invitae), Labcorp
Classification: Uncertain significance for Arrhythmogenic cardiomyopathy with wooly hair and keratoderma; Arrhythmogenic right ventricular dysplasia 8. Last evaluated: 2024-12-12. Review status: criteria provided, single submitter. Criteria: Invitae Variant Classification Sherloc (09022015). Collection method: clinical testing. Allele origin: germline.
Comment: This sequence change replaces isoleucine, which is neutral and non-polar, with valine, which is neutral and non-polar, at codon 445 of the DSP protein (p.Ile445Val). This variant is not present in population databases (gnomAD no frequency). This missense change has been observed in individual(s) with arrhythmogenic right ventricular cardiomyopathy (PMID: 20031617). This variant is also known as c.1331A>G. ClinVar contains an entry for this variant (Variation ID: 2136363). An algorithm developed to predict the effect of missense changes on protein structure and function (PolyPhen-2) suggests that this variant is likely to be disruptive. In summary, the available evidence is currently insufficient to determine the role of this variant in disease. Therefore, it has been classified as a Variant of Uncertain Significance.

All of Us Research Program, National Institutes of Health
Classification: Uncertain significance for Arrhythmogenic cardiomyopathy with wooly hair and keratoderma. Last evaluated: 2023-12-13. Review status: criteria provided, single submitter. Criteria: ACMG Guidelines, 2015. Collection method: clinical testing. Allele origin: germline. Inheritance: Autosomal dominant inheritance. Observed: 1 variant allele, 1 heterozygote.
Comment: This missense variant replaces isoleucine with valine at codon 445 of the DSP protein. Computational prediction suggests that this variant may not impact protein structure and function (internally defined REVEL score threshold <= 0.5, PMID: 27666373). To our knowledge, functional studies have not been reported for this variant. This variant has been reported in an individual affected with arrhythmogenic right ventricular dysplasia/cardiomyopathy (PMID: 28588093). This variant has not been identified in the general population by the Genome Aggregation Database (gnomAD). The available evidence is insufficient to determine the role of this variant in disease conclusively. Therefore, this variant is classified as a Variant of Uncertain Significance.

This study involves interpretation of variants in research participants for the purpose of population health screening. Participant phenotype was not available at the time of variant classification. Additional details can be found in publication PMID: 35346344, PMCID: PMC8962531

Color Diagnostics, LLC DBA Color Health
Classification: Uncertain significance for Cardiomyopathy. Last evaluated: 2023-11-20. Review status: criteria provided, single submitter. Criteria: ACMG Guidelines, 2015. Collection method: clinical testing. Allele origin: germline.
Comment: This missense variant replaces isoleucine with valine at codon 445 of the DSP protein. Computational prediction suggests that this variant may not impact protein structure and function. To our knowledge, functional studies have not been reported for this variant. This variant has been reported in an individual affected with arrhythmogenic right ventricular dysplasia/cardiomyopathy (PMID: 28588093). This variant has not been identified in the general population by the Genome Aggregation Database (gnomAD). The available evidence is insufficient to determine the role of this variant in disease conclusively. Therefore, this variant is classified as a Variant of Uncertain Significance.

GeneDx
Classification: Uncertain significance. Last evaluated: 2023-06-26. Review status: criteria provided, single submitter. Criteria: GeneDx Variant Classification Process June 2021. Collection method: clinical testing. Allele origin: germline. Affected: yes.
Comment: Reported in an individual with arrhythmogenic right ventricular dysplasia/cardiomyopathy (ARVD/C), however evidence in support of pathogenicity for this variant was not provided in the report (denHaan et al., 2009); Not observed at significant frequency in large population cohorts (gnomAD); In silico analysis supports that this missense variant does not alter protein structure/function; This variant is associated with the following publications: (PMID: 31402444, 31194698, 20031617)

Literature cited by the submitters: PubMed 20031617 (cited by Labcorp Genetics (formerly Invitae), Labcorp); PubMed 28588093 (cited by All of Us Research Program, National Institutes of Health and Color Diagnostics, LLC DBA Color Health).